The following is an entry in ClinVar:

NM_000090.4(COL3A1):c.3551C>G (p.Pro1184Arg)

Gene: COL3A1 (collagen type III alpha 1 chain; plus strand). Cytogenetic location: 2q32.2.
Variant type: single nucleotide variant.
Coding change: c.3551C>G on transcript NM_000090.4 (MANE Select); coding-DNA position 3551, C replaced by G.
Protein change: p.Pro1184Arg; replaces proline 1184 with arginine.
Molecular consequence: missense variant.
Genome position (GRCh38, 1-based): chr2:189,008,949, C>G. VCF-style: chr2-189008949-C-G. GRCh37 (hg19) VCF-style: chr2-189873675-C-G.
Other names: short protein forms P1184R.
Identifiers: ClinVar variation 926096 (VCV000926096.5), dbSNP rs1688657446, ClinGen allele CA349846623.

ClinVar aggregate classification (germline): Uncertain significance (1 of 4 stars; one submission).

Conditions:
Familial thoracic aortic aneurysm and aortic dissection (TAAD). Also called: Thoracic aortic aneurysms and dissections. Identifiers: Orphanet 91387, MedGen C4707243, MONDO:0019625.

Submission:

Color Diagnostics, LLC DBA Color Health
Classification: Uncertain significance for Familial thoracic aortic aneurysm and aortic dissection. Last evaluated: 2023-12-05. Review status: criteria provided, single submitter. Criteria: ACMG Guidelines, 2015. Collection method: clinical testing. Allele origin: germline.
Comment: Variant of Uncertain Significance due to insufficient evidence: This missense variant is located in the triple-helical region of the COL3A1 protein. Computational prediction tools and conservation analyses suggest that this variant may have deleterious impact on the protein function. Computational splicing tools suggest that this variant may not impact RNA splicing. To our knowledge, functional assays have not been performed for this variant nor has this variant been reported in individuals affected with cardiovascular disorders in the literature. This variant is rare in the general population and has been identified in 0/277264 chromosomes by the Genome Aggregation Database (gnomAD). Available evidence is insufficient to determine the pathogenicity of this variant conclusively.